The following is an entry in ClinVar:

ClinVar aggregate classification (germline): Uncertain significance. Review status: criteria provided, multiple submitters, no conflicts (2 of 4 stars). 3 submissions from 3 submitters: Uncertain significance (3). Last evaluated 2025-12-29.

Conditions:
Hereditary cancer-predisposing syndrome. Also called: Tumor predisposition; Hereditary neoplastic syndrome; Neoplastic Syndromes, Hereditary; Hereditary Cancer Syndrome. Identifiers: Orphanet 140162, MedGen C0027672, MeSH D009386, MONDO:0015356.
Familial adenomatous polyposis 1 (FAP1). Also called: FAMILIAL ADENOMATOUS POLYPOSIS 1, ATTENUATED; POLYPOSIS, ADENOMATOUS INTESTINAL. Identifiers: MedGen C2713442, MONDO:0021056, OMIM 175100. Disease mechanism: loss of function.

gnomAD v4.1: 1 of 1,613,994 alleles (0.000062%); highest among the groups gnomAD compares: East Asian, 0.0022%; no homozygotes.

Submissions (3):

Center for Genomic Medicine, Rigshospitalet, Copenhagen University Hospital
Classification: Uncertain significance. Last evaluated: 2025-12-29. Review status: criteria provided, single submitter. Criteria: ACMG Guidelines, 2015. Collection method: clinical testing. Allele origin: germline.

Ambry Genetics
Classification: Uncertain significance for Hereditary cancer-predisposing syndrome. Last evaluated: 2025-08-27. Review status: criteria provided, single submitter. Criteria: Ambry Variant Classification Scheme 2023. Collection method: clinical testing. Allele origin: germline.
Comment: The p.S2492C variant (also known as c.7475C>G), located in coding exon 15 of the APC gene, results from a C to G substitution at nucleotide position 7475. The serine at codon 2492 is replaced by cysteine, an amino acid with dissimilar properties. This amino acid position is well conserved in available vertebrate species. In addition, in silico predictors for this gene do not accurately predict pathogenicity. Missense alterations in APC are not a common cause of disease (Spier I et al. Genet Med. 2024 Feb;26(2):100992). Based on the available evidence, the clinical significance of this variant remains unclear.

Labcorp Genetics (formerly Invitae), Labcorp
Classification: Uncertain significance for Familial adenomatous polyposis 1. Last evaluated: 2024-04-10. Review status: criteria provided, single submitter. Criteria: Invitae Variant Classification Sherloc (09022015). Collection method: clinical testing. Allele origin: germline.
Comment: This sequence change replaces serine, which is neutral and polar, with cysteine, which is neutral and slightly polar, at codon 2492 of the APC protein (p.Ser2492Cys). This variant is not present in population databases (gnomAD no frequency). This variant has not been reported in the literature in individuals affected with APC-related conditions. ClinVar contains an entry for this variant (Variation ID: 845100). Advanced modeling of protein sequence and biophysical properties (such as structural, functional, and spatial information, amino acid conservation, physicochemical variation, residue mobility, and thermodynamic stability) performed at Invitae indicates that this missense variant is not expected to disrupt APC protein function with a negative predictive value of 95%. In summary, the available evidence is currently insufficient to determine the role of this variant in disease. Therefore, it has been classified as a Variant of Uncertain Significance.

NM_000038.6(APC):c.7475C>G (p.Ser2492Cys)

Gene: APC (APC regulator of Wnt signaling pathway; plus strand). Cytogenetic location: 5q22.2.
Variant type: single nucleotide variant.
Coding change: c.7475C>G on transcript NM_000038.6 (MANE Select); coding-DNA position 7475, C replaced by G.
Protein change: p.Ser2492Cys; replaces serine 2492 with cysteine.
Molecular consequence: missense variant.
Genome position (GRCh38, 1-based): chr5:112,843,069, C>G. VCF-style: chr5-112843069-C-G. GRCh37 (hg19) VCF-style: chr5-112178766-C-G.
Other names: c.7475C>G, p.Ser2492Cys (NM_001127510.3, NM_001354895.2); c.7421C>G, p.Ser2474Cys (NM_001127511.3); c.7529C>G, p.Ser2510Cys (NM_001354896.2); c.7505C>G, p.Ser2502Cys (NM_001354897.2); c.7400C>G, p.Ser2467Cys (NM_001354898.2); c.7391C>G, p.Ser2464Cys (NM_001354899.2); c.7352C>G, p.Ser2451Cys (NM_001354900.2); c.7298C>G, p.Ser2433Cys (NM_001354901.2); and 5 more; short protein forms S2366C, S2451C, S2464C, S2209C, S2391C, S2401C, S2474C, S2492C.
Identifiers: ClinVar variation 845100 (VCV000845100.16), dbSNP rs1766489033, ClinGen allele CA16037594.